The following is an entry in ClinVar:

NM_178229.5(IQGAP3):c.288T>C (p.Thr96=)

Gene: IQGAP3 (IQ motif containing GTPase activating protein 3; minus strand). Cytogenetic location: 1q22.
Variant type: single nucleotide variant.
Coding change: c.288T>C on transcript NM_178229.5 (MANE Select); coding-DNA position 288, T replaced by C.
Protein change: p.Thr96=; no amino-acid change (threonine 96 retained).
Molecular consequence: synonymous variant.
Genome position (GRCh38, 1-based): chr1:156,566,099, A>G on the plus strand (T>C on the coding strand, the complement: IQGAP3 is on the minus strand). VCF-style: chr1-156566099-A-G. GRCh37 (hg19) VCF-style: chr1-156535891-A-G.
Identifiers: ClinVar variation 2639454 (VCV002639454.24), dbSNP rs1001520266, ClinGen allele CA31048337.

ClinVar aggregate classification (germline): Likely benign (1 of 4 stars; one submission).

Allele frequency attached by ClinVar (database versions not stated): gnomAD exomes below 0.00001; TOPMed below 0.00001.

Submission:

CeGaT Center for Human Genetics Tuebingen
Classification: Likely benign. Last evaluated: 2022-05-01. Review status: criteria provided, single submitter. Criteria: CeGaT Center For Human Genetics Tuebingen Variant Classification Criteria Version 2. Collection method: clinical testing. Allele origin: germline. Affected: yes. Observed: 1 variant allele.
Comment: IQGAP3: BP4, BP7